The following is an entry in ClinVar:

ClinVar aggregate classification (germline): Uncertain significance (1 of 4 stars; one submission).

Conditions:
Primary ciliary dyskinesia. Also called: Ciliary dyskinesia. Identifiers: Orphanet 244, MedGen C0008780, MONDO:0016575, HP:0012265.

Submission:

Labcorp Genetics (formerly Invitae), Labcorp
Classification: Uncertain significance for Primary ciliary dyskinesia. Last evaluated: 2019-06-25. Review status: criteria provided, single submitter. Criteria: Invitae Variant Classification Sherloc (09022015). Collection method: clinical testing. Allele origin: germline.
Comment: This variant results in a copy number gain of the genomic region encompassing exons 7-19 of the RPGR gene. The 5' boundary is likely confined to intron 6. The 3' end of this event is unknown as it extends beyond the assayed region for this gene and therefore may encompass additional genes. As the precise location of this event is unknown, it may be in tandem or it may be located elsewhere in the genome. This variant has not been reported in the literature in individuals with RPGR-related conditions. In summary, the available evidence is currently insufficient to determine the role of this variant in disease. Therefore, it has been classified as a Variant of Uncertain Significance.

NC_000023.11:g.(?_38269606)_(38310793_?)dup

Gene: RPGR (retinitis pigmentosa GTPase regulator; minus strand). Cytogenetic location: Xp11.4.
Variant type: Duplication.
Identifiers: ClinVar variation 831313 (VCV000831313.1).